The following is an entry in ClinVar:

NM_004380.3(CREBBP):c.6457G>A (p.Gly2153Ser)

Gene: CREBBP (CREB binding lysine acetyltransferase; minus strand). Cytogenetic location: 16p13.3.
Variant type: single nucleotide variant.
Coding change: c.6457G>A on transcript NM_004380.3 (MANE Select); coding-DNA position 6457, G replaced by A.
Protein change: p.Gly2153Ser; replaces glycine 2153 with serine.
Molecular consequence: missense variant.
Genome position (GRCh38, 1-based): chr16:3,728,590, C>T on the plus strand (G>A on the coding strand, the complement: CREBBP is on the minus strand). VCF-style: chr16-3728590-C-T. GRCh37 (hg19) VCF-style: chr16-3778591-C-T.
Other names: c.6343G>A, p.Gly2115Ser (NM_001079846.1); c.6457G>A (NM_004380.2); short protein forms G2115S, G2153S.
Identifiers: ClinVar variation 2063524 (VCV002063524.7), dbSNP rs370693698, ClinGen allele CA7869102.
Genomic context (GRCh38, chr16:3,728,590, plus strand): 5'-TGTTCAAGGCCTGGCCCTGGGGGTTCAGGCCTCCCATCGCCTGCTGCTGTGGAGGCACAC[C>T]GGGCCGCGGCACGCCAGCCTGCATGGCATTCAGGTTCTGCAGGCTGGGCTGCTGGTGCAT-3'
Protein context (NP_004371.2, residues 2143-2163): NAMQAGVPRP[Gly2153Ser]VPPQQQAMGG

ClinVar aggregate classification (germline): Conflicting classifications of pathogenicity. Review status: criteria provided, conflicting classifications (1 of 4 stars). 3 submissions from 3 submitters: Uncertain significance (1); Likely benign (2). Last evaluated 2023-08-04.

Conditions:
CREBBP-related disorder. Also called: CREBBP-related condition; CREBBP-related disorders.
Inborn genetic diseases. Identifiers: MedGen C0950123, MeSH D030342.
Rubinstein-Taybi syndrome (RSTS). Identifiers: Orphanet 783, MedGen C0035934, MONDO:0019188.

Allele frequency attached by ClinVar (database versions not stated): ExAC 0.00002; gnomAD 0.00003; TOPMed 0.00003.
gnomAD v4.1: 15 of 1,613,658 alleles (0.00093%); highest among the groups gnomAD compares: Admixed American, 0.005%; no homozygotes.

Submissions (3):

Ambry Genetics
Classification: Likely benign for Inborn genetic diseases. Last evaluated: 2023-08-04. Review status: criteria provided, single submitter. Criteria: Ambry Variant Classification Scheme 2023. Collection method: clinical testing. Allele origin: germline.

Labcorp Genetics (formerly Invitae), Labcorp
Classification: Likely benign for Rubinstein-Taybi syndrome. Last evaluated: 2022-11-15. Review status: criteria provided, single submitter. Criteria: Invitae Variant Classification Sherloc (09022015). Collection method: clinical testing. Allele origin: germline.

PreventionGenetics, part of Exact Sciences
Classification: Uncertain significance for CREBBP-related condition. Last evaluated: 2022-10-07. Review status: criteria provided, single submitter. Criteria: ACMG Guidelines, 2015. Collection method: clinical testing. Allele origin: germline.
Comment: The CREBBP c.6457G>A variant is predicted to result in the amino acid substitution p.Gly2153Ser. To our knowledge, this variant has not been reported in the literature. This variant is reported in 0.0080% of alleles in individuals of African descent in gnomAD. At this time, the clinical significance of this variant is uncertain due to the absence of conclusive functional and genetic evidence.